The following is an entry in ClinVar:

ClinVar aggregate classification (germline): Pathogenic. Review status: criteria provided, multiple submitters, no conflicts (2 of 4 stars). 2 submissions from 2 submitters: Pathogenic (2). Last evaluated 2020-12-11.

Conditions:
DICER1-related tumor predisposition. Also called: DICER1 syndrome; DICER1-related pleuropulmonary blastoma cancer predisposition syndrome. Identifiers: Orphanet 284343, MedGen C3839822, MONDO:0100216.
Hereditary cancer-predisposing syndrome. Also called: Neoplastic Syndromes, Hereditary; Hereditary Cancer Syndrome; Hereditary neoplastic syndrome; Tumor predisposition. Identifiers: Orphanet 140162, MedGen C0027672, MeSH D009386, MONDO:0015356.

Submissions (2):

Ambry Genetics
Classification: Pathogenic for Hereditary cancer-predisposing syndrome. Last evaluated: 2020-12-11. Review status: criteria provided, single submitter. Criteria: Ambry Variant Classification Scheme 2023. Collection method: clinical testing. Allele origin: germline.
Comment: The p.Q501* pathogenic mutation (also known as c.1501C>T), located in coding exon 8 of the DICER1 gene, results from a C to T substitution at nucleotide position 1501. This changes the amino acid from a glutamine to a stop codon within coding exon 8. This alteration is expected to result in loss of function by premature protein truncation or nonsense-mediated mRNA decay. As such, this alteration is interpreted as a disease-causing mutation.

Labcorp Genetics (formerly Invitae), Labcorp
Classification: Pathogenic for DICER1-related tumor predisposition. Last evaluated: 2018-12-04. Review status: criteria provided, single submitter. Criteria: Invitae Variant Classification Sherloc (09022015). Collection method: clinical testing. Allele origin: germline.
Comment: For these reasons, this variant has been classified as Pathogenic. Loss-of-function variants in DICER1 are known to be pathogenic (PMID: 19556464, 21266384). This variant has not been reported in the literature in individuals with DICER1-related disease. This variant is not present in population databases (ExAC no frequency). This sequence change creates a premature translational stop signal (p.Gln501*) in the DICER1 gene. It is expected to result in an absent or disrupted protein product.

Literature cited by the submitters: PubMed 19556464 (cited by Labcorp Genetics (formerly Invitae), Labcorp); PubMed 21266384 (cited by Labcorp Genetics (formerly Invitae), Labcorp).

NM_177438.3(DICER1):c.1501C>T (p.Gln501Ter)

Gene: DICER1 (dicer 1, ribonuclease III; minus strand). Cytogenetic location: 14q32.13.
Variant type: single nucleotide variant.
Coding change: c.1501C>T on transcript NM_177438.3 (MANE Select); coding-DNA position 1501, C replaced by T.
Protein change: p.Gln501Ter; replaces glutamine 501 with a stop codon.
Molecular consequence: nonsense.
Genome position (GRCh38, 1-based): chr14:95,117,630, G>A on the plus strand (C>T on the coding strand, the complement: DICER1 is on the minus strand). VCF-style: chr14-95117630-G-A. GRCh37 (hg19) VCF-style: chr14-95583967-G-A.
Other names: c.1501C>T, p.Gln501Ter (NM_001291628.2, NM_030621.4, NM_001195573.1 and 1 more transcripts); short protein forms Q501*.
Identifiers: ClinVar variation 643405 (VCV000643405.10), dbSNP rs1595414962, ClinGen allele CA390885395.